The following is an entry in ClinVar:

ClinVar aggregate classification (germline): Uncertain significance (1 of 4 stars; one submission).

Conditions:
Hereditary cancer-predisposing syndrome. Also called: Neoplastic Syndromes, Hereditary; Tumor predisposition; Hereditary neoplastic syndrome; Hereditary Cancer Syndrome. Identifiers: Orphanet 140162, MedGen C0027672, MeSH D009386, MONDO:0015356.

Submission:

Ambry Genetics
Classification: Uncertain significance for Hereditary cancer-predisposing syndrome. Last evaluated: 2026-07-07. Review status: criteria provided, single submitter. Criteria: Ambry Variant Classification Scheme 2023. Collection method: clinical testing. Allele origin: germline.
Comment: The p.R1114T variant (also known as c.3341G>C) is located in coding exon 16 of the MET gene. The arginine at codon 1114 is replaced by threonine, an amino acid with similar properties. This change occurs in the first base pair of coding exon 16. This amino acid position is conserved. In addition, the in silico prediction for this alteration is inconclusive. Based on the available evidence, the clinical significance of this variant remains unclear.

NM_000245.4(MET):c.3341G>C (p.Arg1114Thr)

Gene: MET (MET proto-oncogene, receptor tyrosine kinase; plus strand). Cytogenetic location: 7q31.2.
Variant type: single nucleotide variant.
Coding change: c.3341G>C on transcript NM_000245.4 (MANE Select); coding-DNA position 3341, G replaced by C.
Protein change: p.Arg1114Thr; replaces arginine 1114 with threonine.
Molecular consequence: missense variant.
Genome position (GRCh38, 1-based): chr7:116,778,776, G>C. VCF-style: chr7-116778776-G-C. GRCh37 (hg19) VCF-style: chr7-116418830-G-C.
Other names: c.2051G>C, p.Arg684Thr (NM_001324402.2); c.3395G>C, p.Arg1132Thr (NM_001127500.3); short protein forms R1114T, R1132T, R684T.
Identifiers: ClinVar variation 5024385 (VCV005024385.1).